The following is an entry in ClinVar:

ClinVar aggregate classification (germline): Pathogenic (1 of 4 stars; one submission).

Conditions:
Primary ciliary dyskinesia. Also called: Ciliary dyskinesia. Identifiers: Orphanet 244, MedGen C0008780, MONDO:0016575, HP:0012265.

Submission:

Labcorp Genetics (formerly Invitae), Labcorp
Classification: Pathogenic for Primary ciliary dyskinesia. Last evaluated: 2023-02-14. Review status: criteria provided, single submitter. Criteria: Invitae Variant Classification Sherloc (09022015). Collection method: clinical testing. Allele origin: germline.
Comment: For these reasons, this variant has been classified as Pathogenic. This variant has not been reported in the literature in individuals affected with DNAH11-related conditions. The frequency data for this variant in the population databases is considered unreliable, as metrics indicate poor data quality at this position in the gnomAD database. This sequence change creates a premature translational stop signal (p.Leu441Ilefs*25) in the DNAH11 gene. It is expected to result in an absent or disrupted protein product. Loss-of-function variants in DNAH11 are known to be pathogenic (PMID: 18022865, 20513915, 22184204).

Literature cited by the submitters: PubMed 18022865; PubMed 20513915; PubMed 22184204.

NM_001277115.2(DNAH11):c.1320dup (p.Leu441fs)

Gene: DNAH11 (dynein axonemal heavy chain 11; plus strand). Cytogenetic location: 7p15.3.
Variant type: Duplication.
Coding change: c.1320dup on transcript NM_001277115.2 (MANE Select); coding-DNA position 1320, one base duplicated (A; older notation c.1320dupA).
Protein change: p.Leu441fs; shifts the reading frame from leucine 441.
Molecular consequence: frameshift variant.
Genome position (GRCh38, 1-based): chr7:21,570,194, A duplicated; the last of 7 consecutive A bases (chr7:21,570,188-21,570,194); duplicating any one gives the same sequence. VCF-style (leftmost placement, unchanged base first): chr7-21570187-G-GA. GRCh37 (hg19) VCF-style: chr7-21609805-G-GA.
Other names: c.1320dup, p.Leu441Ilefs (NM_003777.3); short protein forms L441fs.
Identifiers: ClinVar variation 2837051 (VCV002837051.3), dbSNP rs1562668233, ClinGen allele CA453962261.